The following is an entry in ClinVar:

ClinVar aggregate classification (germline): Likely pathogenic (1 of 4 stars; one submission).

Conditions:
Tay-Sachs disease (TSD). Also called: GM2 gangliosidosis, type 1; Hexosaminidase alpha-subunit deficiency (variant B); Sphingolipidosis, Tay-Sachs; Hexosaminidase A Deficiency; HEXA DEFICIENCY; HEXA Disorders. Identifiers: Orphanet 845, MedGen C0039373, MONDO:0010100, OMIM 272800.

Submission:

Myriad Genetics, Inc.
Classification: Likely pathogenic for Tay-Sachs disease. Last evaluated: 2022-03-31. Review status: criteria provided, single submitter. Criteria: Myriad Women's Health Autosomal Recessive and X-Linked Classification Criteria (2021). Collection method: clinical testing. Allele origin: unknown.
Comment: NM_000520.4(HEXA):c.314delA(N105Tfs*14) is expected to be pathogenic in the context of hexosaminidase A deficiency. This variant is predicted to lead to an abnormal or absent protein product due to the creation of a premature termination codon in HEXA, a gene where loss-of-function variants are known to be pathogenic. Please note: this variant was assessed in the context of healthy population screening.

NM_000520.6(HEXA):c.314del (p.Asn105fs)

Gene: HEXA (hexosaminidase subunit alpha; minus strand). Cytogenetic location: 15q23.
Variant type: Deletion.
Coding change: c.314del on transcript NM_000520.6 (MANE Select); coding-DNA position 314, one base deleted (A; older notation c.314delA).
Protein change: p.Asn105fs; shifts the reading frame from asparagine 105.
Molecular consequence: frameshift variant. On other transcripts: non-coding transcript variant (1).
Genome position (GRCh38, 1-based): chr15:72,356,557, T deleted on the plus strand (A on the coding strand, the reverse complement: HEXA is on the minus strand); the first of 2 consecutive T bases (chr15:72,356,557-72,356,558); deleting either gives the same sequence. VCF-style (leftmost placement, unchanged base first): chr15-72356556-GT-G. GRCh37 (hg19) VCF-style: chr15-72648897-GT-G.
Other names: c.347del, p.Asn116fs (NM_001318825.2); short protein forms N105fs, N116fs.
Identifiers: ClinVar variation 1724560 (VCV001724560.2), dbSNP rs2542540049, ClinGen allele CA2580089979.